The following is an entry in ClinVar:

NM_000218.3(KCNQ1):c.701A>G (p.Gln234Arg)

Gene: KCNQ1 (potassium voltage-gated channel subfamily Q member 1; plus strand). Cytogenetic location: 11p15.5.
Variant type: single nucleotide variant.
Coding change: c.701A>G on transcript NM_000218.3 (MANE Select); coding-DNA position 701, A replaced by G.
Protein change: p.Gln234Arg; replaces glutamine 234 with arginine.
Molecular consequence: missense variant.
Genome position (GRCh38, 1-based): chr11:2,572,030, A>G. VCF-style: chr11-2572030-A-G. GRCh37 (hg19) VCF-style: chr11-2593260-A-G.
Other names: c.701A>G, p.Gln234Arg (NM_001406836.1); c.431A>G, p.Gln144Arg (NM_001406837.1); c.320A>G, p.Gln107Arg (NM_181798.2); short protein forms Q107R, Q234R, Q144R.
Identifiers: ClinVar variation 220083 (VCV000220083.12), dbSNP rs794728570, ClinGen allele CA350815.

ClinVar aggregate classification (germline): Uncertain significance. Review status: criteria provided, multiple submitters, no conflicts (2 of 4 stars). 2 submissions from 2 submitters: Uncertain significance (2). Last evaluated 2019-01-04.

Conditions:
Cardiovascular phenotype. Identifiers: MedGen CN230736.
Long QT syndrome (LQTS). Identifiers: MedGen C0023976, MeSH D008133, MONDO:0002442. Disease mechanism: loss of function. Inheritance: Various modes of inheritance.

Submissions (2):

Ambry Genetics
Classification: Uncertain significance for Cardiovascular phenotype. Last evaluated: 2019-01-04. Review status: criteria provided, single submitter. Criteria: Ambry Variant Classification Scheme 2023. Collection method: clinical testing. Allele origin: germline.
Comment: The p.Q234R variant (also known as c.701A>G), located in coding exon 5 of the KCNQ1 gene, results from an A to G substitution at nucleotide position 701. The glutamine at codon 234 is replaced by arginine, an amino acid with highly similar properties. Functional studies have been performed on this variant; however, details were limited and results were conflicting (Panaghie G et al. J. Gen. Physiol., 2007 Feb;129:121-33; Choi E et al. FASEB J., 2010 May;24:1518-24). This amino acid position is highly conserved in available vertebrate species. In addition, this alteration is predicted to be deleterious by in silico analysis. Since supporting evidence is limited at this time, the clinical significance of this alteration remains unclear.

Labcorp Genetics (formerly Invitae), Labcorp
Classification: Uncertain significance for Long QT syndrome. Last evaluated: 2015-08-31. Review status: criteria provided, single submitter. Criteria: Invitae Variant Classification Sherloc (09022015). Collection method: clinical testing. Allele origin: germline.
Comment: Algorithms developed to predict the effect of missense changes on protein structure and function (SIFT, PolyPhen-2, Align-GVGD) all suggest that this variant is likely to be disruptive, but these predictions have not been confirmed by published functional studies. Two studies in the literature examine the impact of this missense change on channel function, but the results are inconsistent (PMID: 17227916, 20040519). This variant is not present in population databases and has not been reported in affected individuals in the literature. In summary, this is a novel missense change with uncertain impact on protein function. It has been classified as a Variant of Uncertain Significance. This sequence change replaces glutamine with arginine at codon 234 of the KCNQ1 protein (p.Gln234Arg). The glutamine residue is highly conserved and there is a small physicochemical difference between glutamine and arginine.

Literature cited by the submitters: PubMed 17227916 (cited by Ambry Genetics and Labcorp Genetics (formerly Invitae), Labcorp); PubMed 20040519 (cited by Ambry Genetics and Labcorp Genetics (formerly Invitae), Labcorp).